The following is an entry in ClinVar:

ClinVar aggregate classification (germline): Uncertain significance (1 of 4 stars; one submission).

Conditions:
Hereditary cancer-predisposing syndrome. Also called: Neoplastic Syndromes, Hereditary; Tumor predisposition; Hereditary Cancer Syndrome; Hereditary neoplastic syndrome. Identifiers: Orphanet 140162, MedGen C0027672, MeSH D009386, MONDO:0015356.

Submission:

Ambry Genetics
Classification: Uncertain significance for Hereditary cancer-predisposing syndrome. Last evaluated: 2022-04-05. Review status: criteria provided, single submitter. Criteria: Ambry Variant Classification Scheme 2023. Collection method: clinical testing. Allele origin: germline.
Comment: The p.E677K variant (also known as c.2029G>A), located in coding exon 12 of the PMS2 gene, results from a G to A substitution at nucleotide position 2029. The glutamic acid at codon 677 is replaced by lysine, an amino acid with similar properties. This amino acid position is conserved. In addition, the in silico prediction for this alteration is inconclusive. Since supporting evidence is limited at this time, the clinical significance of this alteration remains unclear.

NM_000535.7(PMS2):c.2029G>A (p.Glu677Lys)

Gene: PMS2 (PMS1 homolog 2, mismatch repair system component; minus strand). Cytogenetic location: 7p22.1.
Variant type: single nucleotide variant.
Coding change: c.2029G>A on transcript NM_000535.7 (MANE Select); coding-DNA position 2029, G replaced by A.
Protein change: p.Glu677Lys; replaces glutamic acid 677 with lysine.
Molecular consequence: missense variant. On other transcripts: non-coding transcript variant (1).
Genome position (GRCh38, 1-based): chr7:5,982,969, C>T on the plus strand (G>A on the coding strand, the complement: PMS2 is on the minus strand). VCF-style: chr7-5982969-C-T. GRCh37 (hg19) VCF-style: chr7-6022600-C-T.
Other names: c.1624G>A, p.Glu542Lys (NM_001018040.1, NM_001322003.2, NM_001322004.2 and 15 more transcripts); c.1873G>A, p.Glu625Lys (NM_001322006.2, NM_001406870.1); c.1711G>A, p.Glu571Lys (NM_001322007.2, NM_001322008.2, NM_001406876.1 and 1 more transcripts); c.1468G>A, p.Glu490Lys (NM_001322010.2, NM_001406906.1, NM_001406907.1); c.1096G>A, p.Glu366Lys (NM_001322011.2, NM_001322012.2); c.1456G>A, p.Glu486Lys (NM_001322013.2, NM_001406909.1); c.2029G>A, p.Glu677Lys (NM_001322014.2, NM_001406871.1); c.1720G>A, p.Glu574Lys (NM_001322015.2, NM_001406875.1, NM_001406877.1 and 5 more transcripts); and 13 more; short protein forms E486K, E506K, E571K, E574K, E276K, E366K, E519K, E565K.
Identifiers: ClinVar variation 1784712 (VCV001784712.2), dbSNP rs2128704530, ClinGen allele CA366738149.